The following is an entry in ClinVar:

NM_000245.4(MET):c.1444G>T (p.Asp482Tyr)

Gene: MET (MET proto-oncogene, receptor tyrosine kinase; plus strand). Cytogenetic location: 7q31.2.
Variant type: single nucleotide variant.
Coding change: c.1444G>T on transcript NM_000245.4 (MANE Select); coding-DNA position 1444, G replaced by T.
Protein change: p.Asp482Tyr; replaces aspartic acid 482 with tyrosine.
Molecular consequence: missense variant.
Genome position (GRCh38, 1-based): chr7:116,740,001, G>T. VCF-style: chr7-116740001-G-T. GRCh37 (hg19) VCF-style: chr7-116380055-G-T.
Other names: c.1444G>T, p.Asp482Tyr (NM_001127500.3, NM_001324401.3); c.154G>T, p.Asp52Tyr (NM_001324402.2); short protein forms D482Y, D52Y.
Identifiers: ClinVar variation 2777334 (VCV002777334.3), dbSNP rs863224694, ClinGen allele CA368974105.

ClinVar aggregate classification (germline): Uncertain significance (1 of 4 stars; one submission).

Conditions:
Renal cell carcinoma. Identifiers: Orphanet 217071, MedGen C0007134, MeSH D002292, MONDO:0005086, HP:0005584.

gnomAD v4.1: 1 of 1,614,070 alleles (0.000062%); highest among the groups gnomAD compares: Non-Finnish European, 0.000085%; no homozygotes.

Submission:

Labcorp Genetics (formerly Invitae), Labcorp
Classification: Uncertain significance for Renal cell carcinoma. Last evaluated: 2023-06-25. Review status: criteria provided, single submitter. Criteria: Invitae Variant Classification Sherloc (09022015). Collection method: clinical testing. Allele origin: germline.
Comment: In summary, the available evidence is currently insufficient to determine the role of this variant in disease. Therefore, it has been classified as a Variant of Uncertain Significance. Algorithms developed to predict the effect of sequence changes on RNA splicing suggest that this variant may create or strengthen a splice site. Advanced modeling of protein sequence and biophysical properties (such as structural, functional, and spatial information, amino acid conservation, physicochemical variation, residue mobility, and thermodynamic stability) performed at Invitae indicates that this missense variant is expected to disrupt MET protein function. This variant has not been reported in the literature in individuals affected with MET-related conditions. This variant is not present in population databases (gnomAD no frequency). This sequence change replaces aspartic acid, which is acidic and polar, with tyrosine, which is neutral and polar, at codon 482 of the MET protein (p.Asp482Tyr).